The following is an entry in ClinVar:

NM_018136.5(ASPM):c.4600T>C (p.Tyr1534His)

Gene: ASPM (assembly factor for spindle microtubules; minus strand). Cytogenetic location: 1q31.3.
Variant type: single nucleotide variant.
Coding change: c.4600T>C on transcript NM_018136.5 (MANE Select); coding-DNA position 4600, T replaced by C.
Protein change: p.Tyr1534His; replaces tyrosine 1534 with histidine.
Molecular consequence: missense variant. On other transcripts: intron variant (1).
Genome position (GRCh38, 1-based): chr1:197,104,651, A>G on the plus strand (T>C on the coding strand, the complement: ASPM is on the minus strand). VCF-style: chr1-197104651-A-G. GRCh37 (hg19) VCF-style: chr1-197073781-A-G.
Other names: c.4066-8487T>C (NM_001206846.2); short protein forms Y1534H.
Identifiers: ClinVar variation 1368468 (VCV001368468.8), dbSNP rs1657346860, ClinGen allele CA344029534.

ClinVar aggregate classification (germline): Uncertain significance (1 of 4 stars; one submission).

Allele frequency attached by ClinVar (database versions not stated): gnomAD exomes below 0.00001; gnomAD 0.00001; TOPMed 0.00001.
gnomAD v4.1: 3 of 1,613,036 alleles (0.00019%); highest among the groups gnomAD compares: Non-Finnish European, 0.00025%; no homozygotes.

Submission:

Labcorp Genetics (formerly Invitae), Labcorp
Classification: Uncertain significance. Last evaluated: 2024-04-23. Review status: criteria provided, single submitter. Criteria: Invitae Variant Classification Sherloc (09022015). Collection method: clinical testing. Allele origin: germline.
Comment: This sequence change replaces tyrosine, which is neutral and polar, with histidine, which is basic and polar, at codon 1534 of the ASPM protein (p.Tyr1534His). This variant is not present in population databases (gnomAD no frequency). This variant has not been reported in the literature in individuals affected with ASPM-related conditions. ClinVar contains an entry for this variant (Variation ID: 1368468). Advanced modeling of protein sequence and biophysical properties (such as structural, functional, and spatial information, amino acid conservation, physicochemical variation, residue mobility, and thermodynamic stability) performed at Invitae indicates that this missense variant is not expected to disrupt ASPM protein function with a negative predictive value of 80%. In summary, the available evidence is currently insufficient to determine the role of this variant in disease. Therefore, it has been classified as a Variant of Uncertain Significance.